The following is an entry in ClinVar:

ClinVar aggregate classification (germline): Uncertain significance (1 of 4 stars; one submission).

Allele frequency attached by ClinVar (database versions not stated): TOPMed 0.00001.

Submission:

Labcorp Genetics (formerly Invitae), Labcorp
Classification: Uncertain significance. Last evaluated: 2022-06-10. Review status: criteria provided, single submitter. Criteria: Invitae Variant Classification Sherloc (09022015). Collection method: clinical testing. Allele origin: germline.
Comment: This variant is not present in population databases (gnomAD no frequency). In summary, the available evidence is currently insufficient to determine the role of this variant in disease. Therefore, it has been classified as a Variant of Uncertain Significance. Algorithms developed to predict the effect of missense changes on protein structure and function are either unavailable or do not agree on the potential impact of this missense change (SIFT: "Deleterious"; PolyPhen-2: "Benign"; Align-GVGD: "Class C0"). This variant has not been reported in the literature in individuals affected with DVL1-related conditions. This sequence change replaces methionine, which is neutral and non-polar, with threonine, which is neutral and polar, at codon 10 of the DVL1 protein (p.Met10Thr).

NM_001330311.2(DVL1):c.29T>C (p.Met10Thr)

Gene: DVL1 (dishevelled segment polarity protein 1; minus strand). Cytogenetic location: 1p36.33.
Variant type: single nucleotide variant.
Coding change: c.29T>C on transcript NM_001330311.2 (MANE Select); coding-DNA position 29, T replaced by C.
Protein change: p.Met10Thr; replaces methionine 10 with threonine.
Molecular consequence: missense variant.
Genome position (GRCh38, 1-based): chr1:1,349,037, A>G on the plus strand (T>C on the coding strand, the complement: DVL1 is on the minus strand). VCF-style: chr1-1349037-A-G. GRCh37 (hg19) VCF-style: chr1-1284417-A-G.
Other names: c.29T>C, p.Met10Thr (NM_004421.3); short protein forms M10T.
Identifiers: ClinVar variation 2004344 (VCV002004344.4), dbSNP rs1306291525, ClinGen allele CA337879809.